The following is an entry in ClinVar:

ClinVar aggregate classification (germline): Uncertain significance. Review status: criteria provided, multiple submitters, no conflicts (2 of 4 stars). 2 submissions from 2 submitters: Uncertain significance (2). Last evaluated 2022-08-09.

Conditions:
Autosomal recessive ataxia, Beauce type. Also called: ATAXIA, RECESSIVE, OF BEAUCE; Spinocerebellar ataxia, autosomal recessive 8; SYNE1-Related Autosomal Recessive Cerebellar Ataxia; SYNE1 Deficiency. Identifiers: Orphanet 88644, MedGen C1853116, MONDO:0012549, OMIM 610743.
Emery-Dreifuss muscular dystrophy 4, autosomal dominant (EDMD4). Also called: EMERY-DREIFUSS MUSCULAR DYSTROPHY 4 WITH VARIABLE FEATURES. Identifiers: Orphanet 261, MedGen C2751807, MONDO:0013071, OMIM 612998.

Allele frequency attached by ClinVar (database versions not stated): ExAC 0.00005; gnomAD 0.00005 and 0.00007; gnomAD exomes 0.00005; TOPMed 0.00006; ESP Exome Variant Server 0.00008.
gnomAD v4.1: 46 of 1,613,932 alleles (0.0029%); highest among the groups gnomAD compares: African/African-American, 0.013%; no homozygotes.

Submissions (2):

Labcorp Genetics (formerly Invitae), Labcorp
Classification: Uncertain significance for Emery-Dreifuss muscular dystrophy 4, autosomal dominant; Autosomal recessive ataxia, Beauce type. Last evaluated: 2022-08-09. Review status: criteria provided, single submitter. Criteria: Invitae Variant Classification Sherloc (09022015). Collection method: clinical testing. Allele origin: germline.
Comment: This sequence change replaces valine, which is neutral and non-polar, with methionine, which is neutral and non-polar, at codon 5525 of the SYNE1 protein (p.Val5525Met). This variant is present in population databases (rs148158986, gnomAD 0.03%). This variant has not been reported in the literature in individuals affected with SYNE1-related conditions. ClinVar contains an entry for this variant (Variation ID: 1007877). Algorithms developed to predict the effect of missense changes on protein structure and function are either unavailable or do not agree on the potential impact of this missense change (SIFT: "Deleterious"; PolyPhen-2: "Benign"; Align-GVGD: "Class C15"). In summary, the available evidence is currently insufficient to determine the role of this variant in disease. Therefore, it has been classified as a Variant of Uncertain Significance.

Revvity Omics, Revvity
Classification: Uncertain significance. Last evaluated: 2019-05-06. Review status: criteria provided, single submitter. Criteria: ACMG Guidelines, 2015. Collection method: clinical testing. Allele origin: germline.

NM_182961.4(SYNE1):c.16786G>A (p.Val5596Met)

Genes: SYNE1 (spectrin repeat containing nuclear envelope protein 1; minus strand), LOC126859837 (BRD4-independent group 4 enhancer GRCh37_chr6:152630775-152631974; plus strand). Cytogenetic location: 6q25.2.
Variant type: single nucleotide variant.
Coding change: c.16786G>A on transcript NM_182961.4 (MANE Select); coding-DNA position 16786, G replaced by A.
Protein change: p.Val5596Met; replaces valine 5596 with methionine.
Molecular consequence: missense variant.
Genome position (GRCh38, 1-based): chr6:152,310,798, C>T on the plus strand (G>A on the coding strand, the complement: SYNE1 is on the minus strand). VCF-style: chr6-152310798-C-T. GRCh37 (hg19) VCF-style: chr6-152631933-C-T.
Other names: c.16573G>A (NM_033071.3); c.16573G>A, p.Val5525Met (NM_033071.5); short protein forms V5525M, V5596M.
Identifiers: ClinVar variation 1007877 (VCV001007877.8), dbSNP rs148158986, ClinGen allele CA4055429.
Genomic context (GRCh38, chr6:152,310,798, plus strand): 5'-ACTCCTCAGTCTCCCGTCCCAGTTCTGCCACTTGCTGAGACATTTTTTCTGTACAGTACA[C>T]GCTAGTGAGGTACTGTAATTTCTCAGTCATTGCTTCCAGCTCACTGTCAATTTCTTTGGA-3'
Protein context (NP_892006.3, residues 5586-5606): MTEKLQYLTS[Val5596Met]YCTEKMSQQV